The following is an entry in ClinVar:

ClinVar aggregate classification (germline): Benign/Likely benign. Review status: criteria provided, multiple submitters, no conflicts (2 of 4 stars). 3 submissions from 3 submitters: Benign (1); Likely benign (2). Last evaluated 2025-09-16.

Conditions:
Hereditary cancer-predisposing syndrome. Also called: Neoplastic Syndromes, Hereditary; Tumor predisposition; Hereditary Cancer Syndrome; Hereditary neoplastic syndrome. Identifiers: Orphanet 140162, MedGen C0027672, MeSH D009386, MONDO:0015356.
Breast-ovarian cancer, familial, susceptibility to, 4. Identifiers: Orphanet 145, MedGen C3280345, MONDO:0013669, OMIM 614291.

Submissions (3):

Labcorp Genetics (formerly Invitae), Labcorp
Classification: Likely benign for Breast-ovarian cancer, familial, susceptibility to, 4. Last evaluated: 2025-09-16. Review status: criteria provided, single submitter. Criteria: Invitae Variant Classification Sherloc (09022015). Collection method: clinical testing. Allele origin: germline.

Myriad Genetics, Inc.
Classification: Benign for Breast-ovarian cancer, familial, susceptibility to, 4. Last evaluated: 2025-02-21. Review status: criteria provided, single submitter. Criteria: Myriad Autosomal Dominant, Autosomal Recessive and X-Linked Classification Criteria (2023). Collection method: clinical testing. Allele origin: unknown.
Comment: This variant is considered benign. This variant is a silent/synonymous amino acid change and it is not expected to impact splicing.

Ambry Genetics
Classification: Likely benign for Hereditary cancer-predisposing syndrome. Last evaluated: 2017-01-03. Review status: criteria provided, single submitter. Criteria: Ambry Variant Classification Scheme 2023. Collection method: clinical testing. Allele origin: germline.

NM_002878.4(RAD51D):c.471G>A (p.Glu157=)

Genes: RAD51D (RAD51 paralog D; minus strand), RAD51L3-RFFL (RAD51L3-RFFL readthrough; minus strand). Cytogenetic location: 17q12.
Variant type: single nucleotide variant.
Coding change: c.471G>A on transcript NM_002878.4 (MANE Select); coding-DNA position 471, G replaced by A.
Protein change: p.Glu157=; no amino-acid change (glutamic acid 157 retained).
Molecular consequence: synonymous variant. On other transcripts: non-coding transcript variant (1), intron variant (1).
Genome position (GRCh38, 1-based): chr17:35,106,997, C>T on the plus strand (G>A on the coding strand, the complement: RAD51D is on the minus strand). VCF-style: chr17-35106997-C-T. GRCh37 (hg19) VCF-style: chr17-33434016-C-T.
Other names: c.531G>A, p.Glu177= (NM_001142571.2); c.145-516G>A (NM_133629.3).
Identifiers: ClinVar variation 482199 (VCV000482199.14), dbSNP rs55942401, ClinGen allele CA499731668.